The following is an entry in ClinVar:

ClinVar aggregate classification (germline): Uncertain significance (1 of 4 stars; one submission).

Submission:

Labcorp Genetics (formerly Invitae), Labcorp
Classification: Uncertain significance. Last evaluated: 2021-04-03. Review status: criteria provided, single submitter. Criteria: Invitae Variant Classification Sherloc (09022015). Collection method: clinical testing. Allele origin: germline.
Comment: In summary, the available evidence is currently insufficient to determine the role of this variant in disease. Therefore, it has been classified as a Variant of Uncertain Significance. Algorithms developed to predict the effect of missense changes on protein structure and function (SIFT, PolyPhen-2, Align-GVGD) all suggest that this variant is likely to be disruptive, but these predictions have not been confirmed by published functional studies and their clinical significance is uncertain. This variant has been observed in individual(s) with clinical features of retinal dystrophy (Invitae). This variant is not present in population databases (ExAC no frequency). This sequence change replaces glycine with aspartic acid at codon 3201 of the VCAN protein (p.Gly3201Asp). The glycine residue is highly conserved and there is a moderate physicochemical difference between glycine and aspartic acid.

NM_004385.5(VCAN):c.9602G>A (p.Gly3201Asp)

Genes: VCAN (versican; plus strand), VCAN-AS1 (VCAN antisense RNA 1; minus strand). Cytogenetic location: 5q14.3.
Variant type: single nucleotide variant.
Coding change: c.9602G>A on transcript NM_004385.5 (MANE Select); coding-DNA position 9602, G replaced by A.
Protein change: p.Gly3201Asp; replaces glycine 3201 with aspartic acid.
Molecular consequence: missense variant.
Genome position (GRCh38, 1-based): chr5:83,553,472, G>A. VCF-style: chr5-83553472-G-A. GRCh37 (hg19) VCF-style: chr5-82849291-G-A.
Other names: c.1379G>A, p.Gly460Asp (NM_001126336.3); c.6641G>A, p.Gly2214Asp (NM_001164097.2); c.4340G>A, p.Gly1447Asp (NM_001164098.2); short protein forms G1447D, G2214D, G3201D, G460D.
Identifiers: ClinVar variation 1462739 (VCV001462739.8), dbSNP rs1175482099, ClinGen allele CA360297480.